The following is an entry in ClinVar:

ClinVar aggregate classification (germline): Uncertain significance (1 of 4 stars; one submission).

Conditions:
Developmental and epileptic encephalopathy, 30 (DEE30). Also called: Epileptic encephalopathy, early infantile, 30. Identifiers: MedGen C4225360, MONDO:0014595, OMIM 616341.

Submission:

Labcorp Genetics (formerly Invitae), Labcorp
Classification: Uncertain significance for Developmental and epileptic encephalopathy, 30. Last evaluated: 2024-02-17. Review status: criteria provided, single submitter. Criteria: Invitae Variant Classification Sherloc (09022015). Collection method: clinical testing. Allele origin: germline.
Comment: This sequence change replaces proline, which is neutral and non-polar, with leucine, which is neutral and non-polar, at codon 631 of the SIK1 protein (p.Pro631Leu). This variant is not present in population databases (gnomAD no frequency). This variant has not been reported in the literature in individuals affected with SIK1-related conditions. ClinVar contains an entry for this variant (Variation ID: 1720280). Advanced modeling of protein sequence and biophysical properties (such as structural, functional, and spatial information, amino acid conservation, physicochemical variation, residue mobility, and thermodynamic stability) performed at Invitae indicates that this missense variant is not expected to disrupt SIK1 protein function with a negative predictive value of 95%. In summary, the available evidence is currently insufficient to determine the role of this variant in disease. Therefore, it has been classified as a Variant of Uncertain Significance.

NM_173354.5(SIK1):c.1892C>T (p.Pro631Leu)

Gene: SIK1 (salt inducible kinase 1; minus strand). Cytogenetic location: 21q22.3.
Variant type: single nucleotide variant.
Coding change: c.1892C>T on transcript NM_173354.5 (MANE Select); coding-DNA position 1892, C replaced by T.
Protein change: p.Pro631Leu; replaces proline 631 with leucine.
Molecular consequence: missense variant.
Genome position (GRCh38, 1-based): chr21:43,417,627, G>A on the plus strand (C>T on the coding strand, the complement: SIK1 is on the minus strand). VCF-style: chr21-43417627-G-A. GRCh37 (hg19) VCF-style: chr21-44837507-G-A.
Other names: short protein forms P631L.
Identifiers: ClinVar variation 1720280 (VCV001720280.6), dbSNP rs748439779, ClinGen allele CA410607085.
Genomic context (GRCh38, chr21:43,417,627, plus strand): 5'-AGCAGGCTCCAGCCCTCCCGGCTGCCGGCTGCGCCGCCGTGCAGGCCTGGGCTCTGTGCA[G>A]GGGCGTGGAAGGGGCTCAGGCCGCCCCTGCTGGCCCGGCTGGCGGGGGCCTGGCACACCT-3'
Protein context (NP_775490.2, residues 621-641): SRGGLSPFHA[Pro631Leu]AQSPGLHGGA